The following is an entry in ClinVar:

NM_014795.4(ZEB2):c.3304G>T (p.Glu1102Ter)

Gene: ZEB2 (zinc finger E-box binding homeobox 2; minus strand). Cytogenetic location: 2q22.3.
Variant type: single nucleotide variant.
Coding change: c.3304G>T on transcript NM_014795.4 (MANE Select); coding-DNA position 3304, G replaced by T.
Protein change: p.Glu1102Ter; replaces glutamic acid 1102 with a stop codon.
Molecular consequence: nonsense.
Genome position (GRCh38, 1-based): chr2:144,389,792, C>A on the plus strand (G>T on the coding strand, the complement: ZEB2 is on the minus strand). VCF-style: chr2-144389792-C-A. GRCh37 (hg19) VCF-style: chr2-145147359-C-A.
Other names: c.3232G>T, p.Glu1078Ter (NM_001171653.2); short protein forms E1078*, E1102*.
Identifiers: ClinVar variation 4814167 (VCV004814167.1).

ClinVar aggregate classification (germline): Uncertain significance (1 of 4 stars; one submission).

Conditions:
Mowat-Wilson syndrome (MOWS). Also called: Classic Mowat-Wilson Syndrome. Identifiers: Orphanet 2152, MedGen C1856113, MONDO:0009341, OMIM 235730.

Submission:

OLLIN Analises Genomicas, OLLIN
Classification: Uncertain significance for Mowat-Wilson syndrome. Last evaluated: 2025-09-04. Review status: criteria provided, single submitter. Criteria: ACMG Guidelines 2015 PMID 25741868. Collection method: clinical testing. Allele origin: germline. Affected: yes. Observed: 1 variant allele.
Comment: The nonsense variant (chr2:144389792C>A), located in exon 10 (of 10), is not reported in the gnomAD v4.1 non-UKB or ClinVar databases, nor has it been found in the scientific literature. It introduces a premature stop codon, resulting in a truncated protein or mRNA degradation via nonsense-mediated decay (NMD). Based on currently available evidence, this variant has been classified as of uncertain significance (VUS) (PVS1_S, PM2_P).